The following is an entry in ClinVar:

NM_024537.4(CARS2):c.85C>T (p.Pro29Ser)

Genes: CARS2 (cysteinyl-tRNA synthetase 2, mitochondrial; minus strand), LOC130010127 (ATAC-STARR-seq lymphoblastoid silent region 5509; plus strand). Cytogenetic location: 13q34.
Variant type: single nucleotide variant.
Coding change: c.85C>T on transcript NM_024537.4 (MANE Select); coding-DNA position 85, C replaced by T.
Protein change: p.Pro29Ser; replaces proline 29 with serine.
Molecular consequence: missense variant. On other transcripts: non-coding transcript variant (1), intron variant (1).
Genome position (GRCh38, 1-based): chr13:110,706,009, G>A on the plus strand (C>T on the coding strand, the complement: CARS2 is on the minus strand). VCF-style: chr13-110706009-G-A. GRCh37 (hg19) VCF-style: chr13-111358356-G-A.
Other names: c.85C>T, p.Pro29Ser (NM_001352253.3); c.-776+362C>T (NM_001352252.2); short protein forms P29S.
Identifiers: ClinVar variation 475635 (VCV000475635.9), dbSNP rs934745570, ClinGen allele CA256331112.

ClinVar aggregate classification (germline): Uncertain significance (1 of 4 stars; one submission).

Conditions:
Combined oxidative phosphorylation defect type 27. Also called: Combined oxidative phosphorylation deficiency 27. Identifiers: Orphanet 477774, MedGen C5567608, MONDO:0014728, OMIM 616672.

Allele frequency attached by ClinVar (database versions not stated): gnomAD exomes below 0.00001; TOPMed 0.00001.

Submission:

Labcorp Genetics (formerly Invitae), Labcorp
Classification: Uncertain significance for Combined oxidative phosphorylation defect type 27. Last evaluated: 2017-05-24. Review status: criteria provided, single submitter. Criteria: Invitae Variant Classification Sherloc (09022015). Collection method: clinical testing. Allele origin: germline.
Comment: In summary, this variant is a novel missense change with uncertain impact on protein function. It has been classified as a Variant of Uncertain Significance. Algorithms developed to predict the effect of sequence changes on RNA splicing suggest that this variant may alter RNA splicing, but this prediction has not been confirmed by published transcriptional studies. Algorithms developed to predict the effect of missense changes on protein structure and function do not agree on the potential impact of this missense change (SIFT: "Tolerated"; PolyPhen-2: "Possibly Damaging"; Align-GVGD: "Class C0"). While this variant is not present in population databases, the frequency information is unreliable, as metrics indicate poor data quality at this position in the ExAC database. This variant has not been reported in the literature in individuals with a CARS2-related disease. This sequence change replaces proline with serine at codon 29 of the CARS2 protein (p.Pro29Ser). The proline residue is weakly conserved and there is a moderate physicochemical difference between proline and serine.